The following is an entry in ClinVar:

ClinVar aggregate classification (germline): Pathogenic (1 of 4 stars; one submission).

Conditions:
Supravalvar aortic stenosis (SVAS). Also called: Supravalvar aortic stenosis, Eisenberg type. Identifiers: Orphanet 3193, MedGen C0003499, MONDO:0008504, OMIM 185500, HP:0004381.

Submission:

Labcorp Genetics (formerly Invitae), Labcorp
Classification: Pathogenic for Supravalvar aortic stenosis. Last evaluated: 2022-07-25. Review status: criteria provided, single submitter. Criteria: Invitae Variant Classification Sherloc (09022015). Collection method: clinical testing. Allele origin: germline.
Comment: For these reasons, this variant has been classified as Pathogenic. This variant has not been reported in the literature in individuals affected with ELN-related conditions. This variant is not present in population databases (gnomAD no frequency). This sequence change creates a premature translational stop signal (p.Gly581*) in the ELN gene. It is expected to result in an absent or disrupted protein product. Loss-of-function variants in ELN are known to be pathogenic (PMID: 11175284).

Literature cited by the submitters: PubMed 11175284.

NM_000501.4(ELN):c.1654G>T (p.Gly552Ter)

Genes: ELN (elastin; plus strand), ELN-AS1 (ELN antisense RNA 1; minus strand). Cytogenetic location: 7q11.23.
Variant type: single nucleotide variant.
Coding change: c.1654G>T on transcript NM_000501.4 (MANE Select); coding-DNA position 1654, G replaced by T.
Protein change: p.Gly552Ter; replaces glycine 552 with a stop codon.
Molecular consequence: nonsense.
Genome position (GRCh38, 1-based): chr7:74,060,408, G>T. VCF-style: chr7-74060408-G-T. GRCh37 (hg19) VCF-style: chr7-73474738-G-T.
Other names: c.1567G>T, p.Gly523Ter (NM_001081752.3); c.1612G>T, p.Gly538Ter (NM_001081753.3); c.1669G>T, p.Gly557Ter (NM_001081754.3); c.1597G>T, p.Gly533Ter (NM_001081755.3); c.1654G>T, p.Gly552Ter (NM_001278912.2); c.1411G>T, p.Gly471Ter (NM_001278913.2); c.1582G>T, p.Gly528Ter (NM_001278914.2); c.1672G>T, p.Gly558Ter (NM_001278915.2); and 4 more; short protein forms G463*, G528*, G542*, G557*, G581*, G471*, G523*, G552*.
Identifiers: ClinVar variation 2017099 (VCV002017099.4), dbSNP rs2486318296, ClinGen allele CA367886381.